The following is an entry in ClinVar:

NM_000051.4(ATM):c.5061T>A (p.Ala1687=)

Gene: ATM (ATM serine/threonine kinase; plus strand). Cytogenetic location: 11q22.3.
Variant type: single nucleotide variant.
Coding change: c.5061T>A on transcript NM_000051.4 (MANE Select); coding-DNA position 5061, T replaced by A.
Protein change: p.Ala1687=; no amino-acid change (alanine 1687 retained).
Molecular consequence: synonymous variant.
Genome position (GRCh38, 1-based): chr11:108,299,769, T>A. VCF-style: chr11-108299769-T-A. GRCh37 (hg19) VCF-style: chr11-108170496-T-A.
Other names: c.5061T>A, p.Ala1687= (NM_001351834.2).
Identifiers: ClinVar variation 514632 (VCV000514632.2), dbSNP rs1555104600, ClinGen allele CA476674683.

ClinVar aggregate classification (germline): Likely benign. Review status: criteria provided, multiple submitters, no conflicts (2 of 4 stars). 2 submissions from 2 submitters: Likely benign (2). Last evaluated 2026-08-22.

Conditions:
Hereditary cancer-predisposing syndrome. Also called: Hereditary Cancer Syndrome; Tumor predisposition; Hereditary neoplastic syndrome; Neoplastic Syndromes, Hereditary. Identifiers: Orphanet 140162, MedGen C0027672, MeSH D009386, MONDO:0015356.

Submissions (2):

Ambry Genetics
Classification: Likely benign for Hereditary cancer-predisposing syndrome. Last evaluated: 2026-08-22. Review status: criteria provided, single submitter. Criteria: Ambry Variant Classification Scheme 2023. Collection method: clinical testing. Allele origin: germline.

GeneDx
Classification: Likely benign. Last evaluated: 2018-01-11. Review status: criteria provided, single submitter. Criteria: GeneDx Variant Classification (06012015). Collection method: clinical testing. Allele origin: germline. Affected: yes.
Comment: This variant is considered likely benign or benign based on one or more of the following criteria: it is a conservative change, it occurs at a poorly conserved position in the protein, it is predicted to be benign by multiple in silico algorithms, and/or has population frequency not consistent with disease.